The following is an entry in ClinVar:

ClinVar aggregate classification (germline): Pathogenic (1 of 4 stars; one submission).

Submission:

Quest Diagnostics Nichols Institute San Juan Capistrano
Classification: Pathogenic. Last evaluated: 2023-05-12. Review status: criteria provided, single submitter. Criteria: ACMG/ClinGen CNV Guidelines, 2019. Collection method: clinical testing. Allele origin: unknown.
Comment: This recurrent deletion interval (BP1-BP2) is associated with chromosome 15q11.2 deletion syndrome (OMIM 615656). Deletion of the 15q11.2 (including NIPA1 and NIPA2 locus) region has previously been reported in association with highly variable clinical phenotypes (Butler 2017, ENIGMA-CNV Working Group 2020, Jonch 2019, Kendall 2019, Stefansson 2014, Coe 2014). Currently, this copy number loss is best described as a susceptibility locus with variable phenotypic expressivity and incomplete penetrance. ClinGen updated the 15q11.2 haploinsufficiency dosage sensitivity to pathogenic (HI score of 3). Therefore, this deletion is interpreted as pathogenic with reduced penetrance. References: Butler, J Intellect Disabil Res. 2017 Jun;61(6):568-579. PMID: 28387067 ENIGMA-CNV Working Group, JAMA Psychiatry. 2020 Apr 1;77(4):420-430. PMID: 31665216 Jonch et al., J Med Genet. 2019 Oct;56(10):701-710. PMID: 31451536 Kendall et al., Br J Psychiatry. 2019 May;214(5):297-304. PMID: 30767844 Coe et al., Nat Genet. 2014 Oct;46(10):1063-71., PMID: 25217958 Stefansson et al., Nature. 2014 Jan 16;505(7483):361-6. PMID: 24352232

GRCh37/hg19 15q11.2(chr15:22770422-23679133)x1

Genes: CYFIP1 (cytoplasmic FMR1 interacting protein 1; minus strand), NIPA1 (NIPA magnesium transporter 1; plus strand), NIPA2 (NIPA magnesium transporter 2; plus strand), TUBGCP5 (tubulin gamma complex component 5; minus strand). Cytogenetic location: 15q11.2.
Variant type: copy number loss.
Change: copy number 1 (one copy instead of two) of chr15:22,770,422-23,679,133 (908.7 kb, GRCh37 coordinates, 1-based), cytogenetic band 15q11.2.
Identifiers: ClinVar variation 2685502 (VCV002685502.1).